The following is an entry in ClinVar:

ClinVar aggregate classification (germline): Uncertain significance (1 of 4 stars; one submission).

Conditions:
Inborn genetic diseases. Identifiers: MedGen C0950123, MeSH D030342.

Submission:

Ambry Genetics
Classification: Uncertain significance for Inborn genetic diseases. Last evaluated: 2024-12-31. Review status: criteria provided, single submitter. Criteria: Ambry Variant Classification Scheme 2023. Collection method: clinical testing. Allele origin: germline.
Comment: The p.L14P variant (also known as c.41T>C), located in coding exon 1 of the BMPR2 gene, results from a T to C substitution at nucleotide position 41. The leucine at codon 14 is replaced by proline, an amino acid with similar properties. This amino acid position is conserved. In addition, the in silico prediction for this alteration is inconclusive. Based on the available evidence, the clinical significance of this variant remains unclear.

NM_001204.7(BMPR2):c.41T>C (p.Leu14Pro)

Gene: BMPR2 (bone morphogenetic protein receptor type 2; plus strand). Cytogenetic location: 2q33.1.
Variant type: single nucleotide variant.
Coding change: c.41T>C on transcript NM_001204.7 (MANE Select); coding-DNA position 41, T replaced by C.
Protein change: p.Leu14Pro; replaces leucine 14 with proline.
Molecular consequence: missense variant.
Genome position (GRCh38, 1-based): chr2:202,377,515, T>C. VCF-style: chr2-202377515-T-C. GRCh37 (hg19) VCF-style: chr2-203242238-T-C.
Other names: short protein forms L14P.
Identifiers: ClinVar variation 3824798 (VCV003824798.1).